The following is an entry in ClinVar:

NM_000352.6(ABCC8):c.1572G>A (p.Thr524=)

Gene: ABCC8 (ATP binding cassette subfamily C member 8; minus strand). Cytogenetic location: 11p15.1.
Variant type: single nucleotide variant.
Coding change: c.1572G>A on transcript NM_000352.6 (MANE Select); coding-DNA position 1572, G replaced by A.
Protein change: p.Thr524=; no amino-acid change (threonine 524 retained).
Molecular consequence: synonymous variant. On other transcripts: non-coding transcript variant (1).
Genome position (GRCh38, 1-based): chr11:17,442,778, C>T on the plus strand (G>A on the coding strand, the complement: ABCC8 is on the minus strand). VCF-style: chr11-17442778-C-T. GRCh37 (hg19) VCF-style: chr11-17464325-C-T.
Other names: c.1572G>A, p.Thr524= (NM_001287174.3, NM_001351295.2); c.1569G>A, p.Thr523= (NM_001351296.2, NM_001351297.2).
Identifiers: ClinVar variation 35604 (VCV000035604.61), dbSNP rs61748766, ClinGen allele CA213434.

ClinVar aggregate classification (germline): Conflicting classifications of pathogenicity. Review status: criteria provided, conflicting classifications (1 of 4 stars). 13 submissions from 10 submitters: Uncertain significance (2); Benign (7); Likely benign (3). 1 of the submissions does not count toward it. Last evaluated 2026-02-02.

Conditions:
Hereditary hyperinsulinism.
Diabetes mellitus, transient neonatal, 2 (TNDM2). Identifiers: Orphanet 99886, MedGen C1835887, MONDO:0012480, OMIM 610374. Disease mechanism: loss of function.
Hyperinsulinemic hypoglycemia, familial, 1 (HHF1). Also called: Persistent hyperinsulinemic hypoglycemia of infancy; Persistent Hyperinsulinemia Hypoglycemia of Infancy; HYPOGLYCEMIA, HYPERINSULINEMIC, OF INFANCY; NESIDIOBLASTOSIS OF PANCREAS; HYPERINSULINISM, FAMILIAL, WITH PANCREATIC NESIDIOBLASTOSIS. Identifiers: Orphanet 276575, Orphanet 276598, MedGen C2931832, MONDO:0009734, OMIM 256450.
Transitory neonatal diabetes mellitus. Also called: Transient neonatal diabetes mellitus. Identifiers: MedGen C0342273, MONDO:0020525, HP:0008255.
Permanent neonatal diabetes mellitus (PNDM). Identifiers: Orphanet 99885, MedGen C1833104, MONDO:0100164, MONDO:0011643. Disease mechanism: gain of function.
Maturity-onset diabetes of the young (MODY). Also called: Maturity onset diabetes mellitus in young. Identifiers: Orphanet 552, MedGen C0342276, MONDO:0018911, HP:0004904.

Allele frequency attached by ClinVar (database versions not stated): gnomAD exomes 0.00100 and 0.00263; ExAC 0.00311; 1000 Genomes Project 0.00859; gnomAD 0.00885 and 0.00948; 1000 Genomes Project 30x 0.01031; TOPMed 0.01035; ESP Exome Variant Server 0.01101.
gnomAD v4.1: 2,862 of 1,613,990 alleles (0.18%); highest among the groups gnomAD compares: African/African-American, 3%; 36 homozygotes.

Submissions (13):

Labcorp Genetics (formerly Invitae), Labcorp
Classification: Benign. Last evaluated: 2026-02-02. Review status: criteria provided, single submitter. Criteria: Invitae Variant Classification Sherloc (09022015). Collection method: clinical testing. Allele origin: germline.

ARUP Laboratories, Molecular Genetics and Genomics, ARUP Laboratories
Classification: Benign. Last evaluated: 2025-06-24. Review status: criteria provided, single submitter. Criteria: ARUP Molecular Germline Variant Investigation Process 2024. Collection method: clinical testing. Allele origin: germline.

Women's Health and Genetics/Laboratory Corporation of America, LabCorp
Classification: Benign. Last evaluated: 2024-12-06. Review status: criteria provided, single submitter. Criteria: LabCorp Variant Classification Summary - May 2015. Collection method: clinical testing. Allele origin: germline.

GeneDx
Classification: Likely benign. Last evaluated: 2020-10-17. Review status: criteria provided, single submitter. Criteria: GeneDx Variant Classification Process June 2021. Collection method: clinical testing. Allele origin: germline. Affected: yes.

Illumina Laboratory Services, Illumina
Classification: Benign for Permanent neonatal diabetes mellitus 1. Last evaluated: 2018-01-12. Review status: criteria provided, single submitter. Criteria: ICSL Variant Classification Criteria 13 December 2019. Collection method: clinical testing. Allele origin: germline.
Comment: This variant was observed in the ICSL laboratory as part of a predisposition screen in an ostensibly healthy population. It had not been previously curated by ICSL or reported in the Human Gene Mutation Database (HGMD: prior to June 1st, 2018), and was therefore a candidate for classification through an automated scoring system. Utilizing variant allele frequency, disease prevalence and penetrance estimates, and inheritance mode, an automated score was calculated to assess if this variant is too frequent to cause the disease. Based on the score and internal cut-off values, a variant classified as benign is not then subjected to further curation. The score for this variant resulted in a classification of benign for this disease.

Illumina Laboratory Services, Illumina
Classification: Benign for Diabetes mellitus, transient neonatal, 2. Last evaluated: 2018-01-12. Review status: criteria provided, single submitter. Criteria: ICSL Variant Classification Criteria 13 December 2019. Collection method: clinical testing. Allele origin: germline.
Comment: the same text as in the submission from Illumina Laboratory Services, Illumina above.

Illumina Laboratory Services, Illumina
Classification: Likely benign for Hyperinsulinemic hypoglycemia, familial, 1. Last evaluated: 2018-01-12. Review status: criteria provided, single submitter. Criteria: ICSL Variant Classification Criteria 13 December 2019. Collection method: clinical testing. Allele origin: germline.
Comment: This variant was observed in the ICSL laboratory as part of a predisposition screen in an ostensibly healthy population. It had not been previously curated by ICSL or reported in the Human Gene Mutation Database (HGMD: prior to June 1st, 2018), and was therefore a candidate for classification through an automated scoring system. Utilizing variant allele frequency, disease prevalence and penetrance estimates, and inheritance mode, an automated score was calculated to assess if this variant is too frequent to cause the disease. Based on the score and internal cut-off values, a variant classified as likely benign is not then subjected to further curation. The score for this variant resulted in a classification of likely benign for this disease.

Athena Diagnostics
Classification: Benign. Last evaluated: 2017-08-29. Review status: criteria provided, single submitter. Criteria: Athena Diagnostics Criteria. Collection method: clinical testing. Allele origin: germline.

Breakthrough Genomics
Classification: Likely benign. Review status: criteria provided, single submitter. Criteria: ACMG Guidelines, 2015. Collection method: not provided. Allele origin: germline. Inheritance: Autosomal recessive inheritance. Affected: yes.

Clinical Genomics, Uppaluri K&H Personalized Medicine Clinic
Classification: Uncertain significance for Transitory neonatal diabetes mellitus. Review status: criteria provided, single submitter. Criteria: K & H Uppaluri Personalized Medicine Clinic Variant Classification & Assertion Criteria_Updated V.1. Collection method: research. Allele origin: unknown. Inheritance: Somatic mutation.
Comment: Mutations in ABCC8 gene are associated with both neonatal diabetes mellitus as well as MODY. Patients with this mutation may have a better response to sulfonylureas. However, no sufficient evidence is found to ascertain the role of this particular variant (rs61748766) in neonatal diabetes yet.

Clinical Genomics, Uppaluri K&H Personalized Medicine Clinic
Classification: Uncertain significance for Maturity-onset diabetes of the young. Review status: criteria provided, single submitter. Criteria: K & H Uppaluri Personalized Medicine Clinic Variant Classification & Assertion Criteria_Updated V.1. Collection method: research. Allele origin: unknown. Inheritance: Somatic mutation.
Comment: Mutations in ABCC8 gene are associated with both neonatal diabetes mellitus as well as MODY. Patients with this mutation may have a better response to sulfonylureas. However, no sufficient evidence is found to ascertain the role of this particular variant (rs61748766) in MODY yet.

PreventionGenetics, part of Exact Sciences
Classification: Benign. Review status: criteria provided, single submitter. Criteria: ACMG Guidelines, 2015. Collection method: clinical testing. Allele origin: germline.

Natera, Inc.
Classification: Likely benign for Hereditary hyperinsulinism. Last evaluated: 2019-12-02. Review status: no assertion criteria provided. Collection method: clinical testing. Allele origin: germline. Not counted in ClinVar's aggregate classification.

Literature cited by the submitters: PubMed 16885549 (cited by Clinical Genomics, Uppaluri K&H Personalized Medicine Clinic); PubMed 21989597 (cited by Clinical Genomics, Uppaluri K&H Personalized Medicine Clinic); PubMed 27538677 (cited by Clinical Genomics, Uppaluri K&H Personalized Medicine Clinic); PubMed 18981553 (cited by Clinical Genomics, Uppaluri K&H Personalized Medicine Clinic); PubMed 32027066 (cited by Clinical Genomics, Uppaluri K&H Personalized Medicine Clinic); PubMed 16613899 (cited by Clinical Genomics, Uppaluri K&H Personalized Medicine Clinic); PubMed 18025408 (cited by Clinical Genomics, Uppaluri K&H Personalized Medicine Clinic); PubMed 32792356 (cited by Clinical Genomics, Uppaluri K&H Personalized Medicine Clinic).